The following is an entry in ClinVar:

NM_002693.3(POLG):c.2735-7C>G

Gene: POLG (DNA polymerase gamma, catalytic subunit; minus strand). Cytogenetic location: 15q26.1.
Variant type: single nucleotide variant.
Coding change: c.2735-7C>G on transcript NM_002693.3 (MANE Select); 7 bases into the intron before coding-DNA position 2735, C replaced by G.
Molecular consequence: intron variant.
Genome position (GRCh38, 1-based): chr15:89,321,019, G>C on the plus strand (C>G on the coding strand, the complement: POLG is on the minus strand). VCF-style: chr15-89321019-G-C. GRCh37 (hg19) VCF-style: chr15-89864250-G-C.
Other names: p.?; c.2735-7C>G (NM_001126131.2).
Identifiers: ClinVar variation 138752 (VCV000138752.62), dbSNP rs200372494, ClinGen allele CA292837.

ClinVar aggregate classification (germline): Conflicting classifications of pathogenicity. Review status: criteria provided, conflicting classifications (1 of 4 stars). 9 submissions from 9 submitters: Uncertain significance (1); Benign (2); Likely benign (6). Last evaluated 2026-01-28.

Conditions:
POLG-related disorder. Also called: POLG-Related Spectrum Disorders; POLG-related condition; POLG-Related Disorders. Identifiers: MedGen C4763519.
Progressive sclerosing poliodystrophy (MTDPS4A). Also called: Alpers Syndrome; ALPERS DIFFUSE DEGENERATION OF CEREBRAL GRAY MATTER WITH HEPATIC CIRRHOSIS; Alpers-Huttenlocher Syndrome; Mitochondrial DNA depletion syndrome 4A (Alpers type); Mitochondrial DNA Depletion Syndrome 4A; Alpers-Huttenlocher Syndrome (AHS). Identifiers: Orphanet 726, MedGen C0205710, MONDO:0008758, OMIM 203700.

Allele frequency attached by ClinVar (database versions not stated): 1000 Genomes Project 30x 0.00016; 1000 Genomes Project 0.00020; TOPMed 0.00039; ESP Exome Variant Server 0.00054; ExAC 0.00092; gnomAD exomes 0.00109; gnomAD 0.00121 and 0.00128.
gnomAD v4.1: 1,056 of 1,614,124 alleles (0.065%); highest among the groups gnomAD compares: Non-Finnish European, 0.049%; 6 homozygotes.

Submissions (10):

Labcorp Genetics (formerly Invitae), Labcorp
Classification: Benign for Progressive sclerosing poliodystrophy. Last evaluated: 2026-01-28. Review status: criteria provided, single submitter. Criteria: Invitae Variant Classification Sherloc (09022015). Collection method: clinical testing. Allele origin: germline.

CeGaT Center for Human Genetics Tuebingen
Classification: Likely benign. Last evaluated: 2025-12-01. Review status: criteria provided, single submitter. Criteria: CeGaT Center For Human Genetics Tuebingen Variant Classification Criteria Version 2. Collection method: clinical testing. Allele origin: germline. Affected: yes. Observed: 19 variant alleles.
Comment: POLG: BP4, BS2

Mayo Clinic Laboratories, Mayo Clinic
Classification: Likely benign. Last evaluated: 2025-02-17. Review status: criteria provided, single submitter. Criteria: ACMG Guidelines, 2015. Collection method: clinical testing. Allele origin: germline. Observed: 6 variant alleles.
Comment: BS1, BP4, BP7

Blueprint Genetics
Classification: Likely benign. Last evaluated: 2024-11-18. Review status: criteria provided, single submitter. Criteria: ACMG Guidelines, 2015. Collection method: clinical testing. Allele origin: germline.

Athena Diagnostics
Classification: Likely benign. Last evaluated: 2024-04-19. Review status: criteria provided, single submitter. Criteria: Athena Diagnostics Criteria. Collection method: clinical testing. Allele origin: unknown.

Wong Mito Lab, Molecular and Human Genetics, Baylor College of Medicine
Classification: Likely benign for Progressive sclerosing poliodystrophy. Last evaluated: 2018-10-01. Review status: criteria provided, single submitter. Criteria: ACMG Guidelines, 2015. Collection method: clinical testing. Allele origin: germline.
Comment: The NM_002693.2:c.2735-7C>G (NP_002684.1:p.=) [GRCH38: NC_000015.10:g.89321019G>C] variant in POLG gene is interpretated to be a Likely Benign based on ACMG guidelines (PMID: 25741868). This variant meets the following evidence codes reported in the ACMG-guideline. BS1:The minor allele frequency of this allele is high for Mitochondrial DNA depletion syndrome 4A (Alpers type). BP4:Computational evidence/predictors indicate no impact on the POLG structure, function, or protein-protein interaction. BP6:Reputable source(s) without shared data suggest the variant is benign. Based on the evidence criteria codes applied, the variant is suggested to be Likely Benign.

Illumina Laboratory Services, Illumina
Classification: Uncertain significance for POLG-Related Spectrum Disorders. Last evaluated: 2018-01-12. Review status: criteria provided, single submitter. Criteria: ICSL Variant Classification Criteria 13 December 2019. Collection method: clinical testing. Allele origin: germline.

Eurofins Ntd Llc (ga)
Classification: Likely benign. Last evaluated: 2016-12-29. Review status: criteria provided, single submitter. Criteria: EGL Classification Definitions 2015. Collection method: clinical testing. Allele origin: germline. Observed: 1 variant allele, 1 heterozygote.

GeneDx
Classification: Benign. Last evaluated: 2013-06-27. Review status: criteria provided, single submitter. Criteria: GeneDx Variant Classification (06012015). Collection method: clinical testing. Allele origin: germline. Affected: yes.
Comment: This variant is considered likely benign or benign based on one or more of the following criteria: it is a conservative change, it occurs at a poorly conserved position in the protein, it is predicted to be benign by multiple in silico algorithms, and/or has population frequency not consistent with disease.

Dr. Peter K. Rogan Lab, Western University
No classification provided (evidence only). Condition: Ovarian serous cystadenocarcinoma. Review status: no classification provided. Collection method: in vitro. Allele origin: not applicable. Functional consequence: retained intron. Not counted in ClinVar's aggregate classification.

Literature cited by the submitters: PubMed 37301908 (cited by Athena Diagnostics).